The following is an entry in ClinVar:

NM_000531.6(OTC):c.444G>T (p.Leu148Phe)

Gene: OTC (ornithine transcarbamylase; plus strand). Cytogenetic location: Xp11.4.
Variant type: single nucleotide variant.
Coding change: c.444G>T on transcript NM_000531.6 (MANE Select); coding-DNA position 444, G replaced by T.
Protein change: p.Leu148Phe; replaces leucine 148 with phenylalanine.
Molecular consequence: missense variant.
Genome position (GRCh38, 1-based): chrX:38,401,332, G>T. VCF-style: chrX-38401332-G-T. GRCh37 (hg19) VCF-style: chrX-38260585-G-T.
Other names: short protein forms L148F.
Identifiers: ClinVar variation 97204 (VCV000097204.2), dbSNP rs66741318, ClinGen allele CA224613.

ClinVar aggregate classification (germline): Pathogenic (0 of 4 stars; one submission).

Submission:

GenMed Metabolism Lab
Classification: Pathogenic. Review status: no assertion criteria provided. Collection method: not provided. Allele origin: unknown.
ClinVar note: Converted during submission from pathogenic to Pathogenic.